The following is an entry in ClinVar:

ClinVar aggregate classification (germline): Uncertain significance (1 of 4 stars; one submission).

Submission:

Labcorp Genetics (formerly Invitae), Labcorp
Classification: Uncertain significance. Last evaluated: 2021-12-02. Review status: criteria provided, single submitter. Criteria: Invitae Variant Classification Sherloc (09022015). Collection method: clinical testing. Allele origin: germline.
Comment: This sequence change replaces tyrosine, which is neutral and polar, with asparagine, which is neutral and polar, at codon 279 of the LRP5 protein (p.Tyr279Asn). This variant is not present in population databases (gnomAD no frequency). This variant has not been reported in the literature in individuals affected with LRP5-related conditions. Advanced modeling of protein sequence and biophysical properties (such as structural, functional, and spatial information, amino acid conservation, physicochemical variation, residue mobility, and thermodynamic stability) performed at Invitae indicates that this missense variant is not expected to disrupt LRP5 protein function. In summary, the available evidence is currently insufficient to determine the role of this variant in disease. Therefore, it has been classified as a Variant of Uncertain Significance.

NM_002335.4(LRP5):c.835T>A (p.Tyr279Asn)

Gene: LRP5 (LDL receptor related protein 5; plus strand). Cytogenetic location: 11q13.2.
Variant type: single nucleotide variant.
Coding change: c.835T>A on transcript NM_002335.4 (MANE Select); coding-DNA position 835, T replaced by A.
Protein change: p.Tyr279Asn; replaces tyrosine 279 with asparagine.
Molecular consequence: missense variant. On other transcripts: 5 prime UTR variant (1).
Genome position (GRCh38, 1-based): chr11:68,363,895, T>A. VCF-style: chr11-68363895-T-A. GRCh37 (hg19) VCF-style: chr11-68131363-T-A.
Other names: c.-931T>A (NM_001291902.2); short protein forms Y279N.
Identifiers: ClinVar variation 2026888 (VCV002026888.4), dbSNP rs2496470780, ClinGen allele CA381611214.